The following is an entry in ClinVar:

ClinVar aggregate classification (germline): Uncertain significance (1 of 4 stars; one submission).

Submission:

GeneDx
Classification: Uncertain significance. Last evaluated: 2025-03-17. Review status: criteria provided, single submitter. Criteria: GeneDx Variant Classification Process June 2021. Collection method: clinical testing. Allele origin: germline. Affected: yes.
Comment: Not observed at significant frequency in large population cohorts (gnomAD); In silico analysis supports that this missense variant has a deleterious effect on protein structure/function; Has not been previously published as pathogenic or benign to our knowledge

NM_001393769.1(MED12L):c.1088G>A (p.Gly363Glu)

Gene: MED12L (mediator complex subunit 12L; plus strand). Cytogenetic location: 3q25.1.
Variant type: single nucleotide variant.
Coding change: c.1088G>A on transcript NM_001393769.1 (MANE Select); coding-DNA position 1088, G replaced by A.
Protein change: p.Gly363Glu; replaces glycine 363 with glutamic acid.
Molecular consequence: missense variant.
Genome position (GRCh38, 1-based): chr3:151,160,082, G>A. VCF-style: chr3-151160082-G-A. GRCh37 (hg19) VCF-style: chr3-150877869-G-A.
Other names: c.1088G>A, p.Gly363Glu (NM_053002.6); short protein forms G363E.
Identifiers: ClinVar variation 4086557 (VCV004086557.1).
Genomic context (GRCh38, chr3:151,160,082, plus strand): 5'-CCGTGCAGCTGGCCTTCTCAGATTTTCTTTCCTGTGCACAGCATGGTCCCCTGGTTTATG[G>A]ACTTAGTTGTATGTTGCAGGTAAGTCCTTGGCCCTTGTTATTTTATGTTAAAATTCAATG-3'
Protein context (NP_001380698.1, residues 353-373): SCAQHGPLVY[Gly363Glu]LSCMLQTVTL